The following is an entry in ClinVar:

ClinVar aggregate classification (germline): Uncertain significance (1 of 4 stars; one submission).

gnomAD v4.1: 1 of 1,614,012 alleles (0.000062%); highest among the groups gnomAD compares: Non-Finnish European, 0.000085%; no homozygotes.

Submission:

Ambry Genetics
Classification: Uncertain significance. Last evaluated: 2025-07-20. Review status: criteria provided, single submitter. Criteria: Ambry Variant Classification Scheme 2023. Collection method: clinical testing. Allele origin: germline.
Comment: The p.T1029A variant (also known as c.3085A>G), located in coding exon 27 of the KIF1B gene, results from an A to G substitution at nucleotide position 3085. The threonine at codon 1029 is replaced by alanine, an amino acid with similar properties. This amino acid position is conserved. In addition, this alteration is predicted to be tolerated by in silico analysis. Based on the available evidence, the clinical significance of this variant remains unclear.

NM_001365951.3(KIF1B):c.3223A>G (p.Thr1075Ala)

Gene: KIF1B (kinesin family member 1B; plus strand). Cytogenetic location: 1p36.22.
Variant type: single nucleotide variant.
Coding change: c.3223A>G on transcript NM_001365951.3 (MANE Select); coding-DNA position 3223, A replaced by G.
Protein change: p.Thr1075Ala; replaces threonine 1075 with alanine.
Molecular consequence: missense variant.
Genome position (GRCh38, 1-based): chr1:10,337,167, A>G. VCF-style: chr1-10337167-A-G. GRCh37 (hg19) VCF-style: chr1-10397225-A-G.
Other names: c.3223A>G, p.Thr1075Ala (NM_001365952.1); c.3085A>G, p.Thr1029Ala (NM_015074.3); short protein forms T1075A, T1029A.
Identifiers: ClinVar variation 4092347 (VCV004092347.1).
Genomic context (GRCh38, chr1:10,337,167, plus strand): 5'-GGTCTGTCCTTGGAGGAGTTGAGGATTGTGGAAGGACAGGGTCAGAGTTCTGAGGTCATC[A>G]CTCCTCCAGAAGAAATCAGTCGAATTAATGACTTGGGTATGTAGACATAGTTTACTGTGC-3'
Protein context (NP_001352880.1, residues 1065-1085): EGQGQSSEVI[Thr1075Ala]PPEEISRIND